The following is an entry in ClinVar:

NM_001098816.3(TENM4):c.718C>T (p.Leu240=)

Gene: TENM4 (teneurin transmembrane protein 4; minus strand). Cytogenetic location: 11q14.1.
Variant type: single nucleotide variant.
Coding change: c.718C>T on transcript NM_001098816.3 (MANE Select); coding-DNA position 718, C replaced by T.
Protein change: p.Leu240=; no amino-acid change (leucine 240 retained).
Molecular consequence: synonymous variant.
Genome position (GRCh38, 1-based): chr11:78,903,299, G>A on the plus strand (C>T on the coding strand, the complement: TENM4 is on the minus strand). VCF-style: chr11-78903299-G-A. GRCh37 (hg19) VCF-style: chr11-78614344-G-A.
Identifiers: ClinVar variation 3042746 (VCV003042746.3), dbSNP rs1208970133, ClinGen allele CA476155862.

ClinVar aggregate classification (germline): Likely benign. Review status: criteria provided, single submitter (1 of 4 stars). 2 submissions from 2 submitters: Likely benign (1). 1 of the submissions does not count toward it. Last evaluated 2024-10-01.

Conditions:
TENM4-related disorder. Also called: TENM4-related condition.

Allele frequency attached by ClinVar (database versions not stated): gnomAD exomes below 0.00001; TOPMed 0.00001.
gnomAD v4.1: 1 of 1,488,638 alleles (0.000067%); highest among the groups gnomAD compares: Non-Finnish European, 0.000089%; no homozygotes.

Submissions (2):

Blueprint Genetics
Classification: Likely benign. Last evaluated: 2024-10-01. Review status: criteria provided, single submitter. Criteria: ACMG Guidelines, 2015. Collection method: clinical testing. Allele origin: germline.

PreventionGenetics, part of Exact Sciences
Classification: Likely benign for TENM4-related condition. Last evaluated: 2019-06-24. Review status: no assertion criteria provided. Collection method: clinical testing. Allele origin: germline. Not counted in ClinVar's aggregate classification.
Comment: This variant is classified as likely benign based on ACMG/AMP sequence variant interpretation guidelines (Richards et al. 2015 PMID: 25741868, with internal and published modifications).